The following is an entry in ClinVar:

NM_144508.5(KNL1):c.*4_*5insAT

Gene: KNL1 (kinetochore scaffold 1; plus strand). Cytogenetic location: 15q15.1.
Variant type: Insertion.
Coding change: c.*4_*5insAT on transcript NM_144508.5 (MANE Select); 4 bases downstream of the stop codon through 5 bases downstream of the stop codon, AT inserted.
Molecular consequence: 3 prime UTR variant.
Genome position: GRCh38 VCF-style: chr15-40662192-C-CAT. GRCh37 (hg19) VCF-style: chr15-40954390-C-CAT.
Other names: c.*4_*5insAT (NM_170589.5).
Identifiers: ClinVar variation 434576 (VCV000434576.8), dbSNP rs538937570, ClinGen allele CA7483877.

ClinVar aggregate classification (germline): Likely benign. Review status: criteria provided, single submitter (1 of 4 stars). 2 submissions from 2 submitters: Likely benign (1). 1 of the submissions does not count toward it. Last evaluated 2017-05-01.

Conditions:
KNL1-related disorder. Also called: KNL1-related condition.

Allele frequency attached by ClinVar (database versions not stated): gnomAD exomes 0.00014 and 0.00027; ExAC 0.00042; gnomAD 0.00134 and 0.00143; 1000 Genomes Project 0.00140; 1000 Genomes Project 30x 0.00187.

Submissions (2):

Genetic Services Laboratory, University of Chicago
Classification: Likely benign. Last evaluated: 2017-05-01. Review status: criteria provided, single submitter. Criteria: ACMG Guidelines, 2015. Collection method: clinical testing. Allele origin: germline. Affected: no.

PreventionGenetics, part of Exact Sciences
Classification: Likely benign for KNL1-related condition. Last evaluated: 2019-02-22. Review status: no assertion criteria provided. Collection method: clinical testing. Allele origin: germline. Not counted in ClinVar's aggregate classification.
Comment: This variant is classified as likely benign based on ACMG/AMP sequence variant interpretation guidelines (Richards et al. 2015 PMID: 25741868, with internal and published modifications).